The following is an entry in ClinVar:

ClinVar aggregate classification (germline): Benign/Likely benign. Review status: criteria provided, multiple submitters, no conflicts (2 of 4 stars). 3 submissions from 3 submitters: Benign (2); Likely benign (1). Last evaluated 2023-03-01.

Allele frequency attached by ClinVar (database versions not stated): 1000 Genomes Project 0.00220; 1000 Genomes Project 30x 0.00250; ESP Exome Variant Server 0.00400; ExAC 0.00468; gnomAD 0.00490 and 0.00541; gnomAD exomes 0.00569 and 0.00516; TOPMed 0.00592.
gnomAD v4.1: 9,150 of 1,608,754 alleles (0.57%); highest among the groups gnomAD compares: Middle Eastern, 1.6%; 40 homozygotes.

Submissions (3):

CeGaT Center for Human Genetics Tuebingen
Classification: Likely benign. Last evaluated: 2023-03-01. Review status: criteria provided, single submitter. Criteria: CeGaT Center For Human Genetics Tuebingen Variant Classification Criteria Version 2. Collection method: clinical testing. Allele origin: germline. Affected: yes. Observed: 1 variant allele.
Comment: CYP26A1: BP4, BP7, BS2

Labcorp Genetics (formerly Invitae), Labcorp
Classification: Benign. Last evaluated: 2018-07-16. Review status: criteria provided, single submitter. Criteria: Invitae Variant Classification Sherloc (09022015). Collection method: clinical testing. Allele origin: germline.

Breakthrough Genomics
Classification: Benign. Review status: criteria provided, single submitter. Criteria: ACMG Guidelines, 2015. Collection method: not provided. Allele origin: germline. Inheritance: Unknown mechanism. Affected: yes.

NM_000783.4(CYP26A1):c.447C>G (p.Leu149=)

Gene: CYP26A1 (cytochrome P450 family 26 subfamily A member 1; plus strand). Cytogenetic location: 10q23.33.
Variant type: single nucleotide variant.
Coding change: c.447C>G on transcript NM_000783.4 (MANE Select); coding-DNA position 447, C replaced by G.
Protein change: p.Leu149=; no amino-acid change (leucine 149 retained).
Molecular consequence: synonymous variant.
Genome position (GRCh38, 1-based): chr10:93,074,811, C>G. VCF-style: chr10-93074811-C-G. GRCh37 (hg19) VCF-style: chr10-94834568-C-G.
Other names: c.240C>G, p.Leu80= (NM_057157.2).
Identifiers: ClinVar variation 778469 (VCV000778469.28), dbSNP rs35355587, ClinGen allele CA5606098.